The following is an entry in ClinVar:

NM_174936.4(PCSK9):c.80G>C (p.Gly27Ala)

Gene: PCSK9 (proprotein convertase subtilisin/kexin type 9; plus strand). Cytogenetic location: 1p32.3.
Variant type: single nucleotide variant.
Coding change: c.80G>C on transcript NM_174936.4 (MANE Select); coding-DNA position 80, G replaced by C.
Protein change: p.Gly27Ala; replaces glycine 27 with alanine.
Molecular consequence: missense variant.
Genome position (GRCh38, 1-based): chr1:55,039,917, G>C. VCF-style: chr1-55039917-G-C. GRCh37 (hg19) VCF-style: chr1-55505590-G-C.
Other names: short protein forms G27A.
Identifiers: ClinVar variation 920118 (VCV000920118.5), dbSNP rs1187613601, ClinGen allele CA340482732.

ClinVar aggregate classification (germline): Uncertain significance (1 of 4 stars; one submission).

Conditions:
Familial hypercholesterolemia. Also called: Familial hypercholesterolaemia. Identifiers: MedGen C0020445, MONDO:0005439.

Submission:

Color Diagnostics, LLC DBA Color Health
Classification: Uncertain significance for Familial hypercholesterolemia. Last evaluated: 2023-12-05. Review status: criteria provided, single submitter. Criteria: ACMG Guidelines, 2015. Collection method: clinical testing. Allele origin: germline.
Comment: This missense variant replaces glycine with alanine at codon 27 of the PCSK9 protein. Computational prediction tools and conservation analyses suggest that this variant may not impact the protein function. Computational splicing tools suggest that this variant may not impact RNA splicing. To our knowledge, functional assays have not been performed for this variant nor has this variant been reported in individuals affected with familial hypercholesterolemia in the literature. This variant has not been identified in the general population by the Genome Aggregation Database (gnomAD). Available evidence is insufficient to determine the role of this variant in disease conclusively. Therefore, this variant is classified as a Variant of Uncertain Significance.